The following is an entry in ClinVar:

NM_001101362.3(KBTBD13):c.449C>T (p.Ala150Val)

Gene: KBTBD13 (kelch repeat and BTB domain containing 13; plus strand). Cytogenetic location: 15q22.31.
Variant type: single nucleotide variant.
Coding change: c.449C>T on transcript NM_001101362.3 (MANE Select); coding-DNA position 449, C replaced by T.
Protein change: p.Ala150Val; replaces alanine 150 with valine.
Molecular consequence: missense variant.
Genome position (GRCh38, 1-based): chr15:65,077,264, C>T. VCF-style: chr15-65077264-C-T. GRCh37 (hg19) VCF-style: chr15-65369602-C-T.
Other names: short protein forms A150V.
Identifiers: ClinVar variation 2997261 (VCV002997261.3), dbSNP rs2506307321, ClinGen allele CA392860806.

ClinVar aggregate classification (germline): Uncertain significance (1 of 4 stars; one submission).

Conditions:
Nemaline myopathy 6 (NEM6). Also called: Nemaline myopathy 6, autosomal dominant. Identifiers: Orphanet 171439, MedGen C1836472, MONDO:0012237, OMIM 609273.

Allele frequency attached by ClinVar (database versions not stated): gnomAD exomes below 0.00001.

Submission:

Labcorp Genetics (formerly Invitae), Labcorp
Classification: Uncertain significance for Nemaline myopathy 6. Last evaluated: 2025-02-04. Review status: criteria provided, single submitter. Criteria: Invitae Variant Classification Sherloc (09022015). Collection method: clinical testing. Allele origin: germline.
Comment: This sequence change replaces alanine, which is neutral and non-polar, with valine, which is neutral and non-polar, at codon 150 of the KBTBD13 protein (p.Ala150Val). This variant is not present in population databases (gnomAD no frequency). This variant has not been reported in the literature in individuals affected with KBTBD13-related conditions. ClinVar contains an entry for this variant (Variation ID: 2997261). Invitae Evidence Modeling of protein sequence and biophysical properties (such as structural, functional, and spatial information, amino acid conservation, physicochemical variation, residue mobility, and thermodynamic stability) indicates that this missense variant is not expected to disrupt KBTBD13 protein function with a negative predictive value of 80%. In summary, the available evidence is currently insufficient to determine the role of this variant in disease. Therefore, it has been classified as a Variant of Uncertain Significance.